The following is an entry in ClinVar:

ClinVar aggregate classification (germline): Uncertain significance (1 of 4 stars; one submission).

gnomAD v4.1: 1 of 1,613,188 alleles (0.000062%); highest among the groups gnomAD compares: Non-Finnish European, 0.000085%; no homozygotes.

Submission:

Labcorp Genetics (formerly Invitae), Labcorp
Classification: Uncertain significance. Last evaluated: 2025-01-30. Review status: criteria provided, single submitter. Criteria: Invitae Variant Classification Sherloc (09022015). Collection method: clinical testing. Allele origin: germline.
Comment: This sequence change replaces alanine, which is neutral and non-polar, with valine, which is neutral and non-polar, at codon 234 of the IRF9 protein (p.Ala234Val). This variant is not present in population databases (gnomAD no frequency). This variant has not been reported in the literature in individuals affected with IRF9-related conditions. An algorithm developed to predict the effect of missense changes on protein structure and function outputs the following: PolyPhen-2: "Benign". The valine amino acid residue is found in multiple mammalian species, which suggests that this missense change does not adversely affect protein function. In summary, the available evidence is currently insufficient to determine the role of this variant in disease. Therefore, it has been classified as a Variant of Uncertain Significance.

NM_006084.5(IRF9):c.701C>T (p.Ala234Val)

Gene: IRF9 (interferon regulatory factor 9; plus strand). Cytogenetic location: 14q12.
Variant type: single nucleotide variant.
Coding change: c.701C>T on transcript NM_006084.5 (MANE Select); coding-DNA position 701, C replaced by T.
Protein change: p.Ala234Val; replaces alanine 234 with valine.
Molecular consequence: missense variant. On other transcripts: intron variant (1).
Genome position (GRCh38, 1-based): chr14:24,164,665, C>T. VCF-style: chr14-24164665-C-T. GRCh37 (hg19) VCF-style: chr14-24633874-C-T.
Other names: c.728C>T, p.Ala243Val (NM_001385400.1, NM_001385401.1); c.650-212C>T (NM_001385402.1); short protein forms A243V, A234V.
Identifiers: ClinVar variation 3691643 (VCV003691643.2).